The following is an entry in ClinVar:

ClinVar aggregate classification (germline): Conflicting classifications of pathogenicity. Review status: criteria provided, conflicting classifications (1 of 4 stars). 5 submissions from 5 submitters: Uncertain significance (3); Likely benign (2). Last evaluated 2026-02-23.

Conditions:
Familial thoracic aortic aneurysm and aortic dissection (TAAD). Also called: Thoracic aortic aneurysms and dissections. Identifiers: Orphanet 91387, MedGen C4707243, MONDO:0019625.
Marfan syndrome (MFS). Also called: Marfan syndrome, classic; Marfan syndrome type 1; Marfan's syndrome; FBN1-Related Marfan Syndrome; MARFAN SYNDROME, TYPE I. Identifiers: Orphanet 284963, Orphanet 558, MedGen C0024796, MONDO:0007947, OMIM 154700.

Allele frequency attached by ClinVar (database versions not stated): ExAC 0.00001.
gnomAD v4.1: 14 of 1,613,806 alleles (0.00087%); highest among the groups gnomAD compares: Admixed American, 0.005%; no homozygotes.

Submissions (5):

Women's Health and Genetics/Laboratory Corporation of America, LabCorp
Classification: Uncertain significance. Last evaluated: 2026-02-23. Review status: criteria provided, single submitter. Criteria: LabCorp Variant Classification Summary - May 2015. Collection method: clinical testing. Allele origin: germline.
Comment: Variant summary: FBN1 c.1211C>A (p.Pro404Gln) results in a non-conservative amino acid change in the encoded protein sequence. Algorithms developed to predict the effect of missense changes on protein structure and function are either unavailable or do not agree on the potential impact of this missense change. The variant allele was found at a frequency of 8e-06 in 250990 control chromosomes. The available data on variant occurrences in the general population are insufficient to allow any conclusion about variant significance. To our knowledge, no occurrence of c.1211C>A in individuals affected with FBN1-related conditions and no experimental evidence demonstrating its impact on protein function have been reported. ClinVar contains an entry for this variant (Variation ID: 925101). Based on the evidence outlined above, the variant was classified as uncertain significance.

Labcorp Genetics (formerly Invitae), Labcorp
Classification: Likely benign for Marfan syndrome; Familial thoracic aortic aneurysm and aortic dissection. Last evaluated: 2025-06-24. Review status: criteria provided, single submitter. Criteria: Invitae Variant Classification Sherloc (09022015). Collection method: clinical testing. Allele origin: germline.

All of Us Research Program, National Institutes of Health
Classification: Uncertain significance for Marfan syndrome. Last evaluated: 2023-12-18. Review status: criteria provided, single submitter. Criteria: ACMG Guidelines, 2015. Collection method: clinical testing. Allele origin: germline. Inheritance: Autosomal dominant inheritance. Observed: 2 variant alleles, 2 heterozygotes.
Comment: This missense variant replaces proline with glutamine at codon 404 of the FBN1 protein. Computational prediction suggests that this variant may not impact protein structure and function (internally defined REVEL score threshold <= 0.5, PMID: 27666373). Splice site prediction tools suggest that this variant may not impact RNA splicing. To our knowledge, functional studies have not been performed for this variant. This variant has not been reported in individuals affected with cardiovascular disorders in the literature. This variant has been identified in 2/250990 chromosomes in the general population by the Genome Aggregation Database (gnomAD). The available evidence is insufficient to determine the role of this variant in disease conclusively. Therefore, this variant is classified as a Variant of Uncertain Significance.

This study involves interpretation of variants in research participants for the purpose of population health screening. Participant phenotype was not available at the time of variant classification. Additional details can be found in publication PMID: 35346344, PMCID: PMC8962531

Color Diagnostics, LLC DBA Color Health
Classification: Uncertain significance for Familial thoracic aortic aneurysm and aortic dissection. Last evaluated: 2023-11-01. Review status: criteria provided, single submitter. Criteria: ACMG Guidelines, 2015. Collection method: clinical testing. Allele origin: germline.
Comment: This missense variant replaces proline with glutamine at codon 404 of the FBN1 protein. Computational prediction suggests that this variant may not impact protein structure and function (internally defined REVEL score threshold <= 0.5, PMID: 27666373). To our knowledge, functional studies have not been reported for this variant. This variant has not been reported in individuals affected with FBN1-related disorders in the literature. This variant has been identified in 2/250990 chromosomes in the general population by the Genome Aggregation Database (gnomAD). The available evidence is insufficient to determine the role of this variant in disease conclusively. Therefore, this variant is classified as a Variant of Uncertain Significance.

Blueprint Genetics
Classification: Likely benign. Last evaluated: 2022-12-23. Review status: criteria provided, single submitter. Criteria: ACMG Guidelines, 2015. Collection method: clinical testing. Allele origin: germline.

NM_000138.5(FBN1):c.1211C>A (p.Pro404Gln)

Gene: FBN1 (fibrillin 1; minus strand). Cytogenetic location: 15q21.1.
Variant type: single nucleotide variant.
Coding change: c.1211C>A on transcript NM_000138.5 (MANE Select); coding-DNA position 1211, C replaced by A.
Protein change: p.Pro404Gln; replaces proline 404 with glutamine.
Molecular consequence: missense variant.
Genome position (GRCh38, 1-based): chr15:48,516,299, G>T on the plus strand (C>A on the coding strand, the complement: FBN1 is on the minus strand). VCF-style: chr15-48516299-G-T. GRCh37 (hg19) VCF-style: chr15-48808496-G-T.
Other names: short protein forms P404Q.
Identifiers: ClinVar variation 925101 (VCV000925101.12), dbSNP rs779930519, ClinGen allele CA044000.